The following is an entry in ClinVar:

ClinVar aggregate classification (germline): Uncertain significance (1 of 4 stars; one submission).

Conditions:
Cardiovascular phenotype. Identifiers: MedGen CN230736.

Submission:

Ambry Genetics
Classification: Uncertain significance for Cardiovascular phenotype. Last evaluated: 2023-04-14. Review status: criteria provided, single submitter. Criteria: Ambry Variant Classification Scheme 2023. Collection method: clinical testing. Allele origin: germline.
Comment: The p.H149R variant (also known as c.446A>G), located in coding exon 3 of the BGN gene, results from an A to G substitution at nucleotide position 446. The histidine at codon 149 is replaced by arginine, an amino acid with highly similar properties. This amino acid position is conserved. In addition, this alteration is predicted to be tolerated by in silico analysis. Since supporting evidence is limited at this time, the clinical significance of this alteration remains unclear.

NM_001711.6(BGN):c.446A>G (p.His149Arg)

Gene: BGN (biglycan; plus strand). Cytogenetic location: Xq28.
Variant type: single nucleotide variant.
Coding change: c.446A>G on transcript NM_001711.6 (MANE Select); coding-DNA position 446, A replaced by G.
Protein change: p.His149Arg; replaces histidine 149 with arginine.
Molecular consequence: missense variant.
Genome position (GRCh38, 1-based): chrX:153,505,957, A>G. VCF-style: chrX-153505957-A-G. GRCh37 (hg19) VCF-style: chrX-152771415-A-G.
Other names: short protein forms H149R.
Identifiers: ClinVar variation 2564954 (VCV002564954.2), dbSNP rs2521213588, ClinGen allele CA415069496.